The following is an entry in ClinVar:

NM_006031.6(PCNT):c.3558C>T (p.Arg1186=)

Gene: PCNT (pericentrin; plus strand). Cytogenetic location: 21q22.3.
Variant type: single nucleotide variant.
Coding change: c.3558C>T on transcript NM_006031.6 (MANE Select); coding-DNA position 3558, C replaced by T.
Protein change: p.Arg1186=; no amino-acid change (arginine 1186 retained).
Molecular consequence: synonymous variant.
Genome position (GRCh38, 1-based): chr21:46,388,835, C>T. VCF-style: chr21-46388835-C-T. GRCh37 (hg19) VCF-style: chr21-47808750-C-T.
Other names: c.3558C>T (NM_006031.5); c.3204C>T, p.Arg1068= (NM_001315529.2).
Identifiers: ClinVar variation 1911943 (VCV001911943.7), dbSNP rs1222278659, ClinGen allele CA512737979.
Genomic context (GRCh38, chr21:46,388,835, plus strand): 5'-GGGTTTGTTTGGAGAGACGCTGAGGGCAGCCGTCACCCTGAGGAGCCGGATCGGGGAGCG[C>T]GTGGGGCTCTGCCTGGATGACGCGGGCGCAGGCCTGGCCCTGTCGACAGGTGAGTGTGCC-3'
Protein context (NP_006022.3, residues 1176-1196): AVTLRSRIGE[Arg1186=]VGLCLDDAGA

ClinVar aggregate classification (germline): Likely benign. Review status: criteria provided, multiple submitters, no conflicts (2 of 4 stars). 3 submissions from 3 submitters: Likely benign (3). Last evaluated 2026-09-01.

Conditions:
PCNT-related disorder. Also called: PCNT-related condition.

Allele frequency attached by ClinVar (database versions not stated): gnomAD 0.00001; gnomAD exomes 0.00001.

Submissions (3):

PreventionGenetics, part of Exact Sciences
Classification: Likely benign for PCNT-related condition. Last evaluated: 2026-09-01. Review status: criteria provided, single submitter. Criteria: ACMG Guidelines, 2015. Collection method: clinical testing. Allele origin: germline.
Comment: This variant is classified as likely benign based on ACMG/AMP sequence variant interpretation guidelines (Richards et al. 2015 PMID: 25741868, with internal and published modifications).

Blueprint Genetics
Classification: Likely benign. Last evaluated: 2024-10-15. Review status: criteria provided, single submitter. Criteria: ACMG Guidelines, 2015. Collection method: clinical testing. Allele origin: germline.

Labcorp Genetics (formerly Invitae), Labcorp
Classification: Likely benign. Last evaluated: 2024-08-12. Review status: criteria provided, single submitter. Criteria: Invitae Variant Classification Sherloc (09022015). Collection method: clinical testing. Allele origin: germline.